The following is an entry in ClinVar:

NM_005475.3(SH2B3):c.100G>A (p.Ala34Thr)

Gene: SH2B3 (SH2B adaptor protein 3; plus strand). Cytogenetic location: 12q24.12.
Variant type: single nucleotide variant.
Coding change: c.100G>A on transcript NM_005475.3 (MANE Select); coding-DNA position 100, G replaced by A.
Protein change: p.Ala34Thr; replaces alanine 34 with threonine.
Molecular consequence: missense variant.
Genome position (GRCh38, 1-based): chr12:111,418,245, G>A. VCF-style: chr12-111418245-G-A. GRCh37 (hg19) VCF-style: chr12-111856049-G-A.
Other names: short protein forms A34T.
Identifiers: ClinVar variation 5029522 (VCV005029522.1).

ClinVar aggregate classification (germline): Uncertain significance (1 of 4 stars; one submission).

Conditions:
Inborn genetic diseases. Identifiers: MedGen C0950123, MeSH D030342.

Submission:

Ambry Genetics
Classification: Uncertain significance for Inborn genetic diseases. Last evaluated: 2026-09-09. Review status: criteria provided, single submitter. Criteria: Ambry Variant Classification Scheme 2023. Collection method: clinical testing. Allele origin: germline.
Comment: The p.A34T variant (also known as c.100G>A), located in coding exon 1 of the SH2B3 gene, results from a G to A substitution at nucleotide position 100. The alanine at codon 34 is replaced by threonine, an amino acid with similar properties. This amino acid position is conserved. In addition, the in silico prediction for this alteration is inconclusive. Based on the available evidence, the clinical significance of this variant remains unclear.